The following is an entry in ClinVar:

NM_000443.4(ABCB4):c.296C>T (p.Ser99Phe)

Gene: ABCB4 (ATP binding cassette subfamily B member 4; minus strand). Cytogenetic location: 7q21.12.
Variant type: single nucleotide variant.
Coding change: c.296C>T on transcript NM_000443.4 (MANE Select); coding-DNA position 296, C replaced by T.
Protein change: p.Ser99Phe; replaces serine 99 with phenylalanine.
Molecular consequence: missense variant.
Genome position (GRCh38, 1-based): chr7:87,454,583, G>A on the plus strand (C>T on the coding strand, the complement: ABCB4 is on the minus strand). VCF-style: chr7-87454583-G-A. GRCh37 (hg19) VCF-style: chr7-87083899-G-A.
Other names: c.296C>T, p.Ser99Phe (NM_018849.3, NM_018850.3); c.296C>T (NM_000443.3); short protein forms S99F.
Identifiers: ClinVar variation 4846630 (VCV004846630.2).
Genomic context (GRCh38, chr7:87,454,583, plus strand): 5'-TATATGAGTTACCTAGTCATTTCTTCTTCCAGAATTTTGCCTGGATTTAGCAGCGACAAG[G>A]AAAAGTTCACTAAATTAAAAAATAAAATAAAACATGTTAAAAGATCAAACTATTAATAGG-3'
Protein context (NP_000434.1, residues 89-109): AGNFSFPVNF[Ser99Phe]LSLLNPGKIL

ClinVar aggregate classification (germline): Uncertain significance. Review status: criteria provided, multiple submitters, no conflicts (2 of 4 stars). 2 submissions from 2 submitters: Uncertain significance (2). Last evaluated 2026-04-14.

Conditions:
Low phospholipid associated cholelithiasis (GBD1). Also called: Gallbladder disease 1; Gallstone cholecystitis. Identifiers: Orphanet 69663, MedGen C2609268, MONDO:0010939, OMIM 600803.
Familial intrahepatic cholestasis. Identifiers: Orphanet 284385, MedGen CN296401, MONDO:0017290.
ABCB4-related disorder. Also called: ABCB4-related disorders; ABCB4-related condition.

gnomAD v4.1: 2 of 1,609,974 alleles (0.00012%); highest among the groups gnomAD compares: Non-Finnish European, 0.00017%; no homozygotes.

Submissions (2):

Genomenon, Inc
Classification: Uncertain significance for Familial intrahepatic cholestasis; Low phospholipid associated cholelithiasis. Last evaluated: 2026-04-14. Review status: criteria provided, single submitter. Criteria: Genomenon Sequence Variant Interpretation Standards - Updated. Collection method: curation. Allele origin: germline. Affected: yes.
Comment: ABCB4 p.Ser99Phe (c.296C>T) is a missense variant that changes the amino acid at residue 99 from Serine to Phenylalanine. This variant has been observed in at least one proband with an ABCB4-related disorder (PMID:33915153;28039895;23533021). It is absent or not present at a significant frequency in gnomAD. In silico models predict that this variant is possibly or probably damaging. In conclusion, we classify ABCB4 p.Ser99Phe (c.296C>T) as a variant of uncertain significance.

PreventionGenetics, part of Exact Sciences
Classification: Uncertain significance for ABCB4-related condition. Last evaluated: 2026-01-06. Review status: criteria provided, single submitter. Criteria: ACMG Guidelines, 2015. Collection method: clinical testing. Allele origin: germline.
Comment: The ABCB4 c.296C>T variant is predicted to result in the amino acid substitution p.Ser99Phe. This variant has been reported in patients with low-phospholipid-associated cholelithiasis syndrome (LPAC) (in a heterozygous state) or cholestatic liver disease (in a homozygous state), but its pathogenicity has not been fully established with sufficient evidence (Poupon et al. 2013. PubMed ID: 23533021; Shagrani et al. 2017. PubMed ID: 28039895; Al-Hussaini et al. 2021. PubMed ID: 33915153). This variant has been found in only 1 of 249,668 alleles in the general population (gnomAD). In summary, while we suspect that this variant could possibly be pathogenic, at this time, the clinical significance of this variant is uncertain due to the absence of conclusive functional and genetic evidence.

Literature cited by the submitters: PubMed 33915153 (cited by Genomenon, Inc); PubMed 28039895 (cited by Genomenon, Inc); PubMed 23533021 (cited by Genomenon, Inc).